The following is an entry in ClinVar:

ClinVar aggregate classification (germline): Uncertain significance (1 of 4 stars; one submission).

Conditions:
Developmental and epileptic encephalopathy, 9 (DEE9). Also called: Early infantile epileptic encephalopathy 9; EPILEPSY, FEMALE-RESTRICTED, WITH MENTAL RETARDATION; PCDH19-Related X-Linked Female-Limited Epilepsy with Mental Retardation; JUBERG-HELLMAN SYNDROME. Identifiers: Orphanet 101039, Orphanet 2076, MedGen C1848137, MONDO:0010246, OMIM 300088. Disease mechanism: loss of function.

Allele frequency attached by ClinVar (database versions not stated): ExAC 0.00001; gnomAD 0.00001 and 0.00002; gnomAD exomes 0.00001; TOPMed 0.00001.
gnomAD v4.1: 13 of 1,208,462 alleles (0.0011%); highest among the groups gnomAD compares: Non-Finnish European, 0.0012%; no homozygotes.

Submission:

Labcorp Genetics (formerly Invitae), Labcorp
Classification: Uncertain significance for Developmental and epileptic encephalopathy, 9. Last evaluated: 2024-10-23. Review status: criteria provided, single submitter. Criteria: Invitae Variant Classification Sherloc (09022015). Collection method: clinical testing. Allele origin: germline.
Comment: This sequence change replaces glutamic acid, which is acidic and polar, with alanine, which is neutral and non-polar, at codon 755 of the PCDH19 protein (p.Glu755Ala). This variant is not present in population databases (gnomAD no frequency). This variant has not been reported in the literature in individuals affected with PCDH19-related conditions. ClinVar contains an entry for this variant (Variation ID: 1371886). Invitae Evidence Modeling of protein sequence and biophysical properties (such as structural, functional, and spatial information, amino acid conservation, physicochemical variation, residue mobility, and thermodynamic stability) indicates that this missense variant is not expected to disrupt PCDH19 protein function with a negative predictive value of 95%. In summary, the available evidence is currently insufficient to determine the role of this variant in disease. Therefore, it has been classified as a Variant of Uncertain Significance.

NM_001184880.2(PCDH19):c.2264A>C (p.Glu755Ala)

Genes: PCDH19 (protocadherin 19; minus strand), LOC125467768 (CDK7 strongly-dependent group 2 enhancer GRCh37_chrX:99657381-99658580; plus strand). Cytogenetic location: Xq22.1.
Variant type: single nucleotide variant.
Coding change: c.2264A>C on transcript NM_001184880.2 (MANE Select); coding-DNA position 2264, A replaced by C.
Protein change: p.Glu755Ala; replaces glutamic acid 755 with alanine.
Molecular consequence: missense variant. On other transcripts: intron variant (2).
Genome position (GRCh38, 1-based): chrX:100,403,548, T>G on the plus strand (A>C on the coding strand, the complement: PCDH19 is on the minus strand). VCF-style: chrX-100403548-T-G. GRCh37 (hg19) VCF-style: chrX-99658546-T-G.
Other names: c.2148-697A>C (NM_020766.3, NM_001105243.2); short protein forms E755A.
Identifiers: ClinVar variation 1371886 (VCV001371886.8), dbSNP rs754791297, ClinGen allele CA10468794.